The following is an entry in ClinVar:

ClinVar aggregate classification (germline): Pathogenic. Review status: criteria provided, multiple submitters, no conflicts (2 of 4 stars). 5 submissions from 5 submitters: Pathogenic (2). 3 of the submissions do not count toward it. Last evaluated 2024-06-04.

Conditions:
Carnitine palmitoyl transferase 1A deficiency. Also called: Carnitine palmitoyltransferase 1A deficiency; Carnitine palmitoyltransferase type I deficiency; CPT I DEFICIENCY; CPT DEFICIENCY, HEPATIC, TYPE I; CPT deficiency, hepatic, type IA. Identifiers: Orphanet 156, MedGen C1829703, MONDO:0009705, OMIM 255120.

Allele frequency attached by ClinVar (database versions not stated): gnomAD exomes below 0.00001 and 0.00001; TOPMed below 0.00001; ExAC 0.00001.
gnomAD v4.1: 3 of 1,609,972 alleles (0.00019%); highest among the groups gnomAD compares: East Asian, 0.0022%; no homozygotes.

Submissions (5):

Labcorp Genetics (formerly Invitae), Labcorp
Classification: Pathogenic for Carnitine palmitoyl transferase 1A deficiency. Last evaluated: 2024-06-04. Review status: criteria provided, single submitter. Criteria: Invitae Variant Classification Sherloc (09022015). Collection method: clinical testing. Allele origin: germline.
Comment: This sequence change replaces glycine, which is neutral and non-polar, with glutamic acid, which is acidic and polar, at codon 710 of the CPT1A protein (p.Gly710Glu). This variant is present in population databases (rs80356780, gnomAD 0.006%). This missense change has been observed in individual(s) with carnitine palmitoyltransferase 1A deficiency (PMID: 11350183). It has also been observed to segregate with disease in related individuals. ClinVar contains an entry for this variant (Variation ID: 9071). Advanced modeling of protein sequence and biophysical properties (such as structural, functional, and spatial information, amino acid conservation, physicochemical variation, residue mobility, and thermodynamic stability) performed at Invitae indicates that this missense variant is expected to disrupt CPT1A protein function with a positive predictive value of 95%. Experimental studies have shown that this missense change affects CPT1A function (PMID: 11350182). For these reasons, this variant has been classified as Pathogenic.

Eurofins Ntd Llc (ga)
Classification: Pathogenic. Last evaluated: 2014-07-14. Review status: criteria provided, single submitter. Criteria: EGL Classification Definitions 2015. Collection method: clinical testing. Allele origin: germline.

Counsyl
Classification: Likely pathogenic for Carnitine palmitoyl transferase 1A deficiency. Last evaluated: 2016-05-09. Review status: no assertion criteria provided. Collection method: clinical testing. Allele origin: unknown. Not counted in ClinVar's aggregate classification.

OMIM
Classification: Pathogenic for CARNITINE PALMITOYLTRANSFERASE IA DEFICIENCY. Last evaluated: 2001-05-01. Review status: no assertion criteria provided. Collection method: literature only. Allele origin: germline. Not counted in ClinVar's aggregate classification.

GeneReviews
No classification provided. Condition: Carnitine palmitoyl transferase 1A deficiency. Review status: no classification provided. Collection method: literature only. Allele origin: germline. Not counted in ClinVar's aggregate classification.

Literature cited by the submitters: PubMed 11350183 (cited by Labcorp Genetics (formerly Invitae), Labcorp and Counsyl); PubMed 11350182 (cited by 3 submitters); PubMed 14517221 (cited by Counsyl); NCBI Bookshelf NBK1527 (cited by GeneReviews).

NM_001876.4(CPT1A):c.2129G>A (p.Gly710Glu)

Gene: CPT1A (carnitine palmitoyltransferase 1A; minus strand). Cytogenetic location: 11q13.3.
Variant type: single nucleotide variant.
Coding change: c.2129G>A on transcript NM_001876.4 (MANE Select); coding-DNA position 2129, G replaced by A.
Protein change: p.Gly710Glu; replaces glycine 710 with glutamic acid.
Molecular consequence: missense variant.
Genome position (GRCh38, 1-based): chr11:68,760,238, C>T on the plus strand (G>A on the coding strand, the complement: CPT1A is on the minus strand). VCF-style: chr11-68760238-C-T. GRCh37 (hg19) VCF-style: chr11-68527706-C-T.
Other names: c.2129G>A, p.Gly710Glu (NM_001031847.3); short protein forms G710E.
Identifiers: ClinVar variation 9071 (VCV000009071.14), dbSNP rs80356780, ClinGen allele CA340863.